The following is an entry in ClinVar:

NM_005413.4(SIX3):c.187GGC[8] (p.Gly69dup)

Gene: SIX3 (SIX homeobox 3; plus strand). Cytogenetic location: 2p21.
Variant type: Microsatellite.
Coding change: c.187GGC[8] on transcript NM_005413.4 (MANE Select); eight copies in a row of the 3-base unit GGC starting at c.187; the reference has seven copies in a row; one copy, 3 bases duplicated; also written c.205_207dup.
Protein change: p.Gly69dup; duplicates glycine 69.
Molecular consequence: inframe insertion.
Genome position (GRCh38, 1-based): chr2:44,942,309-44,942,311, GGC duplicated; duplicating any 3 consecutive bases within chr2:44,942,291-44,942,311 gives the same sequence; the position shown is the placement nearest the transcript's 3' end. VCF-style (leftmost placement, unchanged base first): chr2-44942290-A-AGGC. GRCh37 (hg19) VCF-style: chr2-45169429-A-AGGC.
Other names: c.205_207dup (NM_005413.3); c.205_207dupGGC (NM_005413.3).
Identifiers: ClinVar variation 193312 (VCV000193312.16), dbSNP rs555285206, ClinGen allele CA238818.

ClinVar aggregate classification (germline): Conflicting classifications of pathogenicity. Review status: criteria provided, conflicting classifications (1 of 4 stars). 5 submissions from 5 submitters: Uncertain significance (1); Benign (2); Likely benign (2). Last evaluated 2026-01-20.

Conditions:
SIX3-related disorder. Also called: SIX3-related condition; SIX3-Related Disorders.
Schizencephaly. Identifiers: Orphanet 799, MedGen C0266484, MONDO:0010011, OMIM 269160, HP:0010636.
Holoprosencephaly 2 (HPE2). Identifiers: Orphanet 2162, MedGen C1834877, MONDO:0007999, OMIM 157170.

Submissions (5):

PreventionGenetics, part of Exact Sciences
Classification: Likely benign for SIX3-related condition. Last evaluated: 2026-01-20. Review status: criteria provided, single submitter. Criteria: ACMG Guidelines, 2015. Collection method: clinical testing. Allele origin: germline.
Comment: This variant is classified as likely benign based on ACMG/AMP sequence variant interpretation guidelines (Richards et al. 2015 PMID: 25741868, with internal and published modifications).

Labcorp Genetics (formerly Invitae), Labcorp
Classification: Benign for Holoprosencephaly 2. Last evaluated: 2025-11-18. Review status: criteria provided, single submitter. Criteria: Invitae Variant Classification Sherloc (09022015). Collection method: clinical testing. Allele origin: germline.

Athena Diagnostics
Classification: Benign. Last evaluated: 2024-06-06. Review status: criteria provided, single submitter. Criteria: Athena Diagnostics Criteria. Collection method: clinical testing. Allele origin: unknown.

Department of Pathology and Laboratory Medicine, Sinai Health System
Classification: Likely benign for Holoprosencephaly 2; Schizencephaly. Last evaluated: 2023-10-02. Review status: criteria provided, single submitter. Criteria: ACMG Guidelines, 2015. Collection method: research. Allele origin: germline.

Eurofins Ntd Llc (ga)
Classification: Uncertain significance. Last evaluated: 2014-11-21. Review status: criteria provided, single submitter. Criteria: EGL Classification Definitions. Collection method: clinical testing. Allele origin: germline. Observed: 2 variant alleles, 2 heterozygotes.

Literature cited by the submitters: PubMed 18791198 (cited by Athena Diagnostics).